The following is an entry in ClinVar:

ClinVar aggregate classification (germline): Uncertain significance. Review status: criteria provided, multiple submitters, no conflicts (2 of 4 stars). 2 submissions from 2 submitters: Uncertain significance (2). Last evaluated 2025-09-10.

gnomAD v4.1: 80 of 1,598,038 alleles (0.005%); highest among the groups gnomAD compares: Middle Eastern, 0.017%; no homozygotes.

Submissions (2):

Ambry Genetics
Classification: Uncertain significance. Last evaluated: 2025-09-10. Review status: criteria provided, single submitter. Criteria: Ambry Variant Classification Scheme 2023. Collection method: clinical testing. Allele origin: germline.

Labcorp Genetics (formerly Invitae), Labcorp
Classification: Uncertain significance. Last evaluated: 2024-06-02. Review status: criteria provided, single submitter. Criteria: Invitae Variant Classification Sherloc (09022015). Collection method: clinical testing. Allele origin: germline.
Comment: This sequence change replaces arginine, which is basic and polar, with histidine, which is basic and polar, at codon 652 of the TNS2 protein (p.Arg652His). This variant is present in population databases (rs770327671, gnomAD 0.007%). This variant has not been reported in the literature in individuals affected with TNS2-related conditions. An algorithm developed to predict the effect of missense changes on protein structure and function (PolyPhen-2) suggests that this variant is likely to be disruptive. In summary, the available evidence is currently insufficient to determine the role of this variant in disease. Therefore, it has been classified as a Variant of Uncertain Significance.

NM_170754.4(TNS2):c.1925G>A (p.Arg642His)

Gene: TNS2 (tensin 2; plus strand). Cytogenetic location: 12q13.13.
Variant type: single nucleotide variant.
Coding change: c.1925G>A on transcript NM_170754.4 (MANE Select); coding-DNA position 1925, G replaced by A.
Protein change: p.Arg642His; replaces arginine 642 with histidine.
Molecular consequence: missense variant.
Genome position (GRCh38, 1-based): chr12:53,059,566, G>A. VCF-style: chr12-53059566-G-A. GRCh37 (hg19) VCF-style: chr12-53453350-G-A.
Other names: c.1925G>A, p.Arg642His (NM_001416202.1); c.1883G>A, p.Arg628His (NM_001416203.1); c.1952G>A, p.Arg651His (NM_001416204.1); c.1856G>A, p.Arg619His (NM_015319.3); c.1553G>A, p.Arg518His (NM_198316.2); c.1955G>A (NM_015319.2); short protein forms R642H, R619H, R651H, R518H, R628H.
Identifiers: ClinVar variation 3730417 (VCV003730417.3).
Genomic context (GRCh38, chr12:53,059,566, plus strand): 5'-CCTACGGGGGCTATGAGGGATCCCCCCAGGGCTACGCCGAGGCCTCGATGGAGAAGAGGC[G>A]CCTCTGCCGATCGCTGTCAGAGGGGCTATACCCCTACCCACCTGAGATGGGGAAACCAGC-3'
Protein context (NP_736610.2, residues 632-652): GYAEASMEKR[Arg642His]LCRSLSEGLY